The following is an entry in ClinVar:

NM_001371596.2(MFSD8):c.1351-9C>A

Gene: MFSD8 (major facilitator superfamily domain containing 8; minus strand). Cytogenetic location: 4q28.2.
Variant type: single nucleotide variant.
Coding change: c.1351-9C>A on transcript NM_001371596.2 (MANE Select); 9 bases into the intron before coding-DNA position 1351, C replaced by A.
Molecular consequence: intron variant. On other transcripts: 3 prime UTR variant (1).
Genome position (GRCh38, 1-based): chr4:127,920,845, G>T on the plus strand (C>A on the coding strand, the complement: MFSD8 is on the minus strand). VCF-style: chr4-127920845-G-T. GRCh37 (hg19) VCF-style: chr4-128842000-G-T.
Other names: c.*914C>A (NM_001410766.1); c.1069-9C>A (NM_001371595.1); c.901-9C>A (NM_001410765.1); c.1216-9C>A (NM_001371590.2); c.1351-9C>A (NM_152778.4); c.1036-9C>A (NM_001363521.3); c.1237-9C>A (NM_001371593.2); c.1150-9C>A (NM_001363520.3); and 3 more.
Identifiers: ClinVar variation 138226 (VCV000138226.20), dbSNP rs75039907, ClinGen allele CA292094.

ClinVar aggregate classification (germline): Benign/Likely benign. Review status: criteria provided, multiple submitters, no conflicts (2 of 4 stars). 6 submissions from 6 submitters: Benign (3); Likely benign (1). 2 of the submissions do not count toward it. Last evaluated 2026-01-21.

Conditions:
MFSD8-related disorder. Also called: MFSD8-related condition.
Late-infantile neuronal ceroid lipofuscinosis. Also called: Jansky-Bielschowsky disease. Identifiers: MedGen C0022340, MONDO:0015674.
Neuronal ceroid lipofuscinosis 7 (CLN7). Also called: MFSD8-Related Neuronal Ceroid-Lipofuscinosis. Identifiers: Orphanet 168491, Orphanet 228366, MedGen C1838571, MONDO:0012588, OMIM 610951.

Allele frequency attached by ClinVar (database versions not stated): 1000 Genomes Project 30x 0.00187; 1000 Genomes Project 0.00200.
gnomAD v4.1: 362 of 1,612,398 alleles (0.022%); highest among the groups gnomAD compares: African/African-American, 0.44%; no homozygotes.

Submissions (9):

Labcorp Genetics (formerly Invitae), Labcorp
Classification: Benign for Neuronal ceroid lipofuscinosis 7. Last evaluated: 2026-01-21. Review status: criteria provided, single submitter. Criteria: Invitae Variant Classification Sherloc (09022015). Collection method: clinical testing. Allele origin: germline.

Blueprint Genetics
Classification: Likely benign. Last evaluated: 2024-11-26. Review status: criteria provided, single submitter. Criteria: ACMG Guidelines, 2015. Collection method: clinical testing. Allele origin: germline.

Eurofins Ntd Llc (ga)
Classification: Benign. Last evaluated: 2015-09-28. Review status: criteria provided, single submitter. Criteria: EGL Classification Definitions 2015. Collection method: clinical testing. Allele origin: germline. Observed: 1 variant allele, 1 heterozygote.

GeneDx
Classification: Benign. Last evaluated: 2012-05-21. Review status: criteria provided, single submitter. Criteria: GeneDx Variant Classification (06012015). Collection method: clinical testing. Allele origin: germline. Affected: yes.
Comment: This variant is considered likely benign or benign based on one or more of the following criteria: it is a conservative change, it occurs at a poorly conserved position in the protein, it is predicted to be benign by multiple in silico algorithms, and/or has population frequency not consistent with disease.

PreventionGenetics, part of Exact Sciences
Classification: Likely benign for MFSD8-related condition. Last evaluated: 2024-08-27. Review status: no assertion criteria provided. Collection method: clinical testing. Allele origin: germline. Not counted in ClinVar's aggregate classification.
Comment: This variant is classified as likely benign based on ACMG/AMP sequence variant interpretation guidelines (Richards et al. 2015 PMID: 25741868, with internal and published modifications).

Natera, Inc.
Classification: Likely benign for Late-infantile neuronal ceroid lipofuscinosis. Last evaluated: 2019-12-16. Review status: no assertion criteria provided. Collection method: clinical testing. Allele origin: germline. Not counted in ClinVar's aggregate classification.

Dr. Peter K. Rogan Lab, Western University
No classification provided (evidence only). Condition: Familial cancer of breast. Review status: no classification provided. Collection method: in vitro. Allele origin: not applicable. Functional consequence: retained intron. Not counted in ClinVar's aggregate classification.

Dr. Peter K. Rogan Lab, Western University
No classification provided (evidence only). Condition: Familial cancer of breast. Review status: no classification provided. Collection method: in vitro. Allele origin: not applicable. Functional consequence: retained intron. Not counted in ClinVar's aggregate classification.

Dr. Peter K. Rogan Lab, Western University
No classification provided (evidence only). Condition: Cervical cancer. Review status: no classification provided. Collection method: in vitro. Allele origin: not applicable. Functional consequence: retained intron. Not counted in ClinVar's aggregate classification.